The following is an entry in ClinVar:

NM_021044.4(DHH):c.634G>A (p.Glu212Lys)

Gene: DHH (desert hedgehog signaling molecule; minus strand). Cytogenetic location: 12q13.12.
Variant type: single nucleotide variant.
Coding change: c.634G>A on transcript NM_021044.4 (MANE Select); coding-DNA position 634, G replaced by A.
Protein change: p.Glu212Lys; replaces glutamic acid 212 with lysine.
Molecular consequence: missense variant.
Genome position (GRCh38, 1-based): chr12:49,090,416, C>T on the plus strand (G>A on the coding strand, the complement: DHH is on the minus strand). VCF-style: chr12-49090416-C-T. GRCh37 (hg19) VCF-style: chr12-49484199-C-T.
Other names: short protein forms E212K.
Identifiers: ClinVar variation 561190 (VCV000561190.3), dbSNP rs1480612338, ClinGen allele CA384718831.

ClinVar aggregate classification (germline): Likely pathogenic (0 of 4 stars; one submission).

Conditions:
46,XY sex reversal 7. Also called: GONADAL DYSGENESIS, XY, MALE-LIMITED; 46,XY GONADAL DYSGENESIS, PARTIAL OR COMPLETE, DHH-RELATED; DHH-Related 46,XY complete gonadal dysgenesis; 46,XY SEX REVERSAL, PARTIAL OR COMPLETE, DHH-RELATED. Identifiers: Orphanet 242, MedGen C1856273, MONDO:0009301, OMIM 233420.

Allele frequency attached by ClinVar (database versions not stated): gnomAD exomes below 0.00001 and 0.00001; TOPMed 0.00001.
gnomAD v4.1: 19 of 1,609,448 alleles (0.0012%); highest among the groups gnomAD compares: Non-Finnish European, 0.0016%; no homozygotes.

Submission:

Division of Paediatric Endocrinology and Diabetes, University of Luebeck
Classification: Likely pathogenic for 46,XY sex reversal 7. Review status: no assertion criteria provided. Collection method: research. Allele origin: maternal, not applicable. Inheritance: Autosomal recessive inheritance. Affected: yes. Observed: 1 compound heterozygote.
Comment: This variation is not listed in gnomAD browser or the Human Gene Mutations Database (HGMD) or the 100 Genomes Project and likely reflects a novel mutation. It lies in the DHh-C domain responsible for the auto-catalytic processing of the DHh protein precursor. In-vitro analysis of DHhc revealed a reduced auto-catalytic processing of the p.Glu212Lys variant compared to the reference sequence. This mutation was found associated as compound heterozygote mutation in conjunction with a premature stop codon mutation in DHh-N (exon 2). Thus, the p.Glu212Lys mutation meets our criteria to be classified as likely pathogenic.

Literature cited by the submitters: PubMed 30298535.